The following is an entry in ClinVar:

ClinVar aggregate classification (germline): Uncertain significance (1 of 4 stars; one submission).

Conditions:
Hereditary cancer-predisposing syndrome. Also called: Neoplastic Syndromes, Hereditary; Tumor predisposition; Hereditary Cancer Syndrome; Hereditary neoplastic syndrome. Identifiers: Orphanet 140162, MedGen C0027672, MeSH D009386, MONDO:0015356.

Submission:

Ambry Genetics
Classification: Uncertain significance for Hereditary cancer-predisposing syndrome. Last evaluated: 2024-09-06. Review status: criteria provided, single submitter. Criteria: Ambry Variant Classification Scheme 2023. Collection method: clinical testing. Allele origin: germline.
Comment: The p.R1442P variant (also known as c.4325G>C), located in coding exon 23 of the PTCH1 gene, results from a G to C substitution at nucleotide position 4325. The arginine at codon 1442 is replaced by proline, an amino acid with dissimilar properties. This amino acid position is not well conserved in available vertebrate species. In addition, this alteration is predicted to be tolerated by in silico analysis. Based on the available evidence, the clinical significance of this variant remains unclear.

NM_000264.5(PTCH1):c.4325G>C (p.Arg1442Pro)

Gene: PTCH1 (patched 1; minus strand). Cytogenetic location: 9q22.32.
Variant type: single nucleotide variant.
Coding change: c.4325G>C on transcript NM_000264.5 (MANE Select); coding-DNA position 4325, G replaced by C.
Protein change: p.Arg1442Pro; replaces arginine 1442 with proline.
Molecular consequence: missense variant. On other transcripts: non-coding transcript variant (1).
Genome position (GRCh38, 1-based): chr9:95,446,931, C>G on the plus strand (G>C on the coding strand, the complement: PTCH1 is on the minus strand). VCF-style: chr9-95446931-C-G. GRCh37 (hg19) VCF-style: chr9-98209213-C-G.
Other names: c.4127G>C, p.Arg1376Pro (NM_001083602.3); c.4322G>C, p.Arg1441Pro (NM_001083603.3); c.3872G>C, p.Arg1291Pro (NM_001083604.3, NM_001083605.3, NM_001083606.3 and 1 more transcripts); c.4169G>C, p.Arg1390Pro (NM_001354918.2); short protein forms R1390P, R1442P, R1441P, R1291P, R1376P.
Identifiers: ClinVar variation 3427269 (VCV003427269.1).